The following is an entry in ClinVar:

NM_004483.5(GCSH):c.133C>G (p.Pro45Ala)

Genes: GCSH (glycine cleavage system protein H; minus strand), LOC130059495 (ATAC-STARR-seq lymphoblastoid silent region 7751; plus strand). Cytogenetic location: 16q23.2.
Variant type: single nucleotide variant.
Coding change: c.133C>G on transcript NM_004483.5 (MANE Select); coding-DNA position 133, C replaced by G.
Protein change: p.Pro45Ala; replaces proline 45 with alanine.
Molecular consequence: missense variant. On other transcripts: non-coding transcript variant (1).
Genome position (GRCh38, 1-based): chr16:81,096,146, G>C on the plus strand (C>G on the coding strand, the complement: GCSH is on the minus strand). VCF-style: chr16-81096146-G-C. GRCh37 (hg19) VCF-style: chr16-81129751-G-C.
Other names: short protein forms P45A.
Identifiers: ClinVar variation 863851 (VCV000863851.10), dbSNP rs1972502072, ClinGen allele CA396889178.

ClinVar aggregate classification (germline): Uncertain significance. Review status: criteria provided, multiple submitters, no conflicts (2 of 4 stars). 2 submissions from 2 submitters: Uncertain significance (2). Last evaluated 2025-11-20.

Conditions:
Glycine encephalopathy. Also called: Nonketotic hyperglycinemia; Non-ketotic hyperglycinemia. Identifiers: Orphanet 407, MedGen C0751748, MONDO:0011612, HP:0008288.
Inborn genetic diseases. Identifiers: MedGen C0950123, MeSH D030342.

Allele frequency attached by ClinVar (database versions not stated): gnomAD exomes below 0.00001; gnomAD 0.00001.
gnomAD v4.1: 3 of 1,300,930 alleles (0.00023%); highest among the groups gnomAD compares: Admixed American, 0.0083%; no homozygotes.

Submissions (2):

Ambry Genetics
Classification: Uncertain significance for Inborn genetic diseases. Last evaluated: 2025-11-20. Review status: criteria provided, single submitter. Criteria: Ambry Variant Classification Scheme 2023. Collection method: clinical testing. Allele origin: germline.

Labcorp Genetics (formerly Invitae), Labcorp
Classification: Uncertain significance for Glycine encephalopathy. Last evaluated: 2019-06-14. Review status: criteria provided, single submitter. Criteria: Invitae Variant Classification Sherloc (09022015). Collection method: clinical testing. Allele origin: germline.
Comment: The frequency data for this variant in the population databases is considered unreliable, as metrics indicate insufficient coverage at this position in the ExAC database. This variant has not been reported in the literature in individuals with GCSH-related conditions. Algorithms developed to predict the effect of missense changes on protein structure and function output the following: SIFT: "Tolerated"; PolyPhen-2: "Benign"; Align-GVGD: "Class C0". The alanine amino acid residue is found in multiple mammalian species, suggesting that this missense change does not adversely affect protein function. These predictions have not been confirmed by published functional studies and their clinical significance is uncertain. In summary, the available evidence is currently insufficient to determine the role of this variant in disease. Therefore, it has been classified as a Variant of Uncertain Significance. This sequence change replaces proline with alanine at codon 45 of the GCSH protein (p.Pro45Ala). The proline residue is weakly conserved and there is a small physicochemical difference between proline and alanine.